The following is an entry in ClinVar:

ClinVar aggregate classification (germline): Uncertain significance (1 of 4 stars; one submission).

Conditions:
Ornithine carbamoyltransferase deficiency (OTCD). Also called: ORNITHINE TRANSCARBAMYLASE DEFICIENCY; ORNITHINE TRANSCARBAMYLASE DEFICIENCY, HYPERAMMONEMIA DUE TO; OTC DEFICIENCY; Ornithine Carbamoyltransferase Deficiency Disease. Identifiers: Orphanet 664, MedGen C0268542, MONDO:0010703, OMIM 311250.

Submission:

All of Us Research Program, National Institutes of Health
Classification: Uncertain significance for Ornithine carbamoyltransferase deficiency. Last evaluated: 2023-05-04. Review status: criteria provided, single submitter. Criteria: ACMG Guidelines, 2015. Collection method: clinical testing. Allele origin: germline. Inheritance: X-linked inheritance. Observed: 1 variant allele, 1 heterozygote.
Comment: This missense variant replaces glycine with cysteine at codon 119 of the OTC protein. Computational prediction suggests that this variant may have deleterious impact on protein structure and function (internally defined REVEL score threshold >= 0.7, PMID: 27666373). To our knowledge, functional studies have not been reported for this variant. This variant has not been reported in individuals affected with OTC-related disorders in the literature. This variant has not been identified in the general population by the Genome Aggregation Database (gnomAD). The available evidence is insufficient to determine the role of this variant in disease conclusively. Therefore, this variant is classified as a Variant of Uncertain Significance.

This study involves interpretation of variants in research participants for the purpose of population health screening. Participant phenotype was not available at the time of variant classification. Additional details can be found in publication PMID: 35346344, PMCID: PMC8962531

NM_000531.6(OTC):c.355G>T (p.Gly119Cys)

Gene: OTC (ornithine transcarbamylase; plus strand). Cytogenetic location: Xp11.4.
Variant type: single nucleotide variant.
Coding change: c.355G>T on transcript NM_000531.6 (MANE Select); coding-DNA position 355, G replaced by T.
Protein change: p.Gly119Cys; replaces glycine 119 with cysteine.
Molecular consequence: missense variant.
Genome position (GRCh38, 1-based): chrX:38,381,398, G>T. VCF-style: chrX-38381398-G-T. GRCh37 (hg19) VCF-style: chrX-38240651-G-T.
Other names: c.355G>T, p.Gly119Cys (NM_001407092.1); short protein forms G119C.
Identifiers: ClinVar variation 3070914 (VCV003070914.1), dbSNP rs2068375816, ClinGen allele CA412718453.